The following is an entry in ClinVar:

ClinVar aggregate classification (germline): Pathogenic/Likely pathogenic. Review status: criteria provided, multiple submitters, no conflicts (2 of 4 stars). 2 submissions from 2 submitters: Pathogenic (1); Likely pathogenic (1). Last evaluated 2023-10-17.

Conditions:
Spondylocostal dysostosis 1, autosomal recessive (SCDO1). Also called: DLL3-Related Spondylocostal Dysostosis, Autosomal Recessive. Identifiers: Orphanet 2311, MedGen CN032975, MONDO:0020692, OMIM 277300.

Allele frequency attached by ClinVar (database versions not stated): gnomAD exomes below 0.00001.

Submissions (2):

Labcorp Genetics (formerly Invitae), Labcorp
Classification: Pathogenic. Last evaluated: 2023-10-17. Review status: criteria provided, single submitter. Criteria: Invitae Variant Classification Sherloc (09022015). Collection method: clinical testing. Allele origin: germline.
Comment: This sequence change creates a premature translational stop signal (p.Ile123Glyfs*5) in the DLL3 gene. It is expected to result in an absent or disrupted protein product. Loss-of-function variants in DLL3 are known to be pathogenic (PMID: 12746394). This variant is not present in population databases (gnomAD no frequency). This variant has not been reported in the literature in individuals affected with DLL3-related conditions. ClinVar contains an entry for this variant (Variation ID: 1324231). For these reasons, this variant has been classified as Pathogenic.

Revvity Omics, Revvity
Classification: Likely pathogenic for Spondylocostal dysostosis 1, autosomal recessive. Last evaluated: 2021-02-24. Review status: criteria provided, single submitter. Criteria: ACMG Guidelines, 2015. Collection method: clinical testing. Allele origin: germline.

Literature cited by the submitters: PubMed 12746394 (cited by Labcorp Genetics (formerly Invitae), Labcorp).

NM_203486.3(DLL3):c.366_378del (p.Ile123fs)

Gene: DLL3 (delta like canonical Notch ligand 3; plus strand). Cytogenetic location: 19q13.2.
Variant type: Deletion.
Coding change: c.366_378del on transcript NM_203486.3 (MANE Select); coding-DNA positions 366 to 378, 13 bases deleted (CATCATCGAAACC).
Protein change: p.Ile123fs; shifts the reading frame from isoleucine 123.
Molecular consequence: frameshift variant.
Genome position (GRCh38, 1-based): chr19:39,500,629-39,500,641, CATCATCGAAACC deleted. VCF-style (leftmost placement, unchanged base first): chr19-39500628-TCATCATCGAAACC-T. GRCh37 (hg19) VCF-style: chr19-39991268-TCATCATCGAAACC-T.
Other names: c.366_378del, p.Ile123fs (NM_016941.4); short protein forms I123fs.
Identifiers: ClinVar variation 1324231 (VCV001324231.9), dbSNP rs2079604821, ClinGen allele CA2335545599.